The following is an entry in ClinVar:

NM_014208.3(DSPP):c.1326T>C (p.Gly442=)

Genes: DMP1-AS1 (DMP1 and DSPP antisense RNA 1; minus strand), DSPP (dentin sialophosphoprotein; plus strand). Cytogenetic location: 4q22.1.
Variant type: single nucleotide variant.
Coding change: c.1326T>C on transcript NM_014208.3 (MANE Select); coding-DNA position 1326, T replaced by C.
Protein change: p.Gly442=; no amino-acid change (glycine 442 retained).
Molecular consequence: synonymous variant.
Genome position (GRCh38, 1-based): chr4:87,613,988, T>C. VCF-style: chr4-87613988-T-C. GRCh37 (hg19) VCF-style: chr4-88535140-T-C.
Identifiers: ClinVar variation 1286988 (VCV001286988.3), dbSNP rs117746821, ClinGen allele CA3001076.
Genomic context (GRCh38, chr4:87,613,988, plus strand): 5'-CATAGAAGGACCTGGCCAAAAATCAGAACCAGGAAATAAAGTTGGACACAGCAATACAGG[T>C]AGTGACAGCAATAGTGATGGATATGACAGTTATGATTTTGATGATAAGTCCATGCAAGGA-3'
Protein context (NP_055023.2, residues 432-452): PGNKVGHSNT[Gly442=]SDSNSDGYDS

ClinVar aggregate classification (germline): Benign. Review status: criteria provided, single submitter (1 of 4 stars). 2 submissions from 2 submitters: Benign (1). 1 of the submissions does not count toward it. Last evaluated 2020-07-15.

Conditions:
DSPP-related disorder. Also called: DSPP-related condition.

Allele frequency attached by ClinVar (database versions not stated): ExAC 0.00219; gnomAD exomes 0.00248 and 0.00107; gnomAD 0.00075 and 0.00126; 1000 Genomes Project 30x 0.00874; 1000 Genomes Project 0.00899; TOPMed 0.00136.
gnomAD v4.1: 1,834 of 1,614,156 alleles (0.11%); highest among the groups gnomAD compares: East Asian, 3.6%; 43 homozygotes.

Submissions (2):

GeneDx
Classification: Benign. Last evaluated: 2020-07-15. Review status: criteria provided, single submitter. Criteria: GeneDx Variant Classification Process June 2021. Collection method: clinical testing. Allele origin: germline. Affected: yes.

PreventionGenetics, part of Exact Sciences
Classification: Benign for DSPP-related condition. Last evaluated: 2019-10-31. Review status: no assertion criteria provided. Collection method: clinical testing. Allele origin: germline. Not counted in ClinVar's aggregate classification.
Comment: This variant is classified as benign based on ACMG/AMP sequence variant interpretation guidelines (Richards et al. 2015 PMID: 25741868, with internal and published modifications).